The following is an entry in ClinVar:

NM_198428.3(BBS9):c.2433T>C (p.His811=)

Gene: BBS9 (Bardet-Biedl syndrome 9; plus strand). Cytogenetic location: 7p14.3.
Variant type: single nucleotide variant.
Coding change: c.2433T>C on transcript NM_198428.3 (MANE Select); coding-DNA position 2433, T replaced by C.
Protein change: p.His811=; no amino-acid change (histidine 811 retained).
Molecular consequence: synonymous variant. On other transcripts: non-coding transcript variant (3).
Genome position (GRCh38, 1-based): chr7:33,534,088, T>C. VCF-style: chr7-33534088-T-C. GRCh37 (hg19) VCF-style: chr7-33573700-T-C.
Other names: c.2328T>C, p.His776= (NM_001033604.2); c.2418T>C, p.His806= (NM_001033605.2); c.2433T>C, p.His811= (NM_001348036.1, NM_001348041.4, NM_001348043.3 and 1 more transcripts); c.1884T>C, p.His628= (NM_001348037.3); c.2160T>C, p.His720= (NM_001348038.3); c.2055T>C, p.His685= (NM_001348039.3); c.2313T>C, p.His771= (NM_001348040.3, NM_014451.4); c.2298T>C, p.His766= (NM_001348042.3); and 3 more.
Identifiers: ClinVar variation 1090013 (VCV001090013.10), dbSNP rs1850999612, ClinGen allele CA454459651.

ClinVar aggregate classification (germline): Likely benign. Review status: criteria provided, single submitter (1 of 4 stars). 2 submissions from 2 submitters: Likely benign (1). 1 of the submissions does not count toward it. Last evaluated 2024-10-23.

Conditions:
Bardet-Biedl syndrome (BBS). Identifiers: Orphanet 110, MedGen C0752166, MONDO:0015229.
BBS9-related disorder. Also called: BBS9-related condition.

Allele frequency attached by ClinVar (database versions not stated): gnomAD exomes below 0.00001; gnomAD 0.00001.
gnomAD v4.1: 2 of 1,614,028 alleles (0.00012%); highest among the groups gnomAD compares: African/African-American, 0.0013%; no homozygotes.

Submissions (2):

Labcorp Genetics (formerly Invitae), Labcorp
Classification: Likely benign for Bardet-Biedl syndrome. Last evaluated: 2024-10-23. Review status: criteria provided, single submitter. Criteria: Invitae Variant Classification Sherloc (09022015). Collection method: clinical testing. Allele origin: germline.

PreventionGenetics, part of Exact Sciences
Classification: Likely benign for BBS9-related condition. Last evaluated: 2022-07-20. Review status: no assertion criteria provided. Collection method: clinical testing. Allele origin: germline. Not counted in ClinVar's aggregate classification.
Comment: This variant is classified as likely benign based on ACMG/AMP sequence variant interpretation guidelines (Richards et al. 2015 PMID: 25741868, with internal and published modifications).